The following is an entry in ClinVar:

ClinVar aggregate classification (germline): Likely benign (0 of 4 stars; one submission).

Conditions:
AFF4-related disorder. Also called: AFF4-related condition.

Submission:

PreventionGenetics, part of Exact Sciences
Classification: Likely benign for AFF4-related condition. Last evaluated: 2022-03-25. Review status: no assertion criteria provided. Collection method: clinical testing. Allele origin: germline.
Comment: This variant is classified as likely benign based on ACMG/AMP sequence variant interpretation guidelines (Richards et al. 2015 PMID: 25741868, with internal and published modifications).

NM_014423.4(AFF4):c.1088-7G>C

Gene: AFF4 (ALF transcription elongation factor 4; minus strand). Cytogenetic location: 5q31.1.
Variant type: single nucleotide variant.
Coding change: c.1088-7G>C on transcript NM_014423.4 (MANE Select); 7 bases into the intron before coding-DNA position 1088, G replaced by C.
Molecular consequence: intron variant.
Genome position (GRCh38, 1-based): chr5:132,902,494, C>G on the plus strand (G>C on the coding strand, the complement: AFF4 is on the minus strand). VCF-style: chr5-132902494-C-G. GRCh37 (hg19) VCF-style: chr5-132238186-C-G.
Identifiers: ClinVar variation 3354407 (VCV003354407.1).